The following is an entry in ClinVar:

NM_021076.4(NEFH):c.4A>G (p.Met2Val)

Gene: NEFH (neurofilament heavy chain; plus strand). Cytogenetic location: 22q12.2.
Variant type: single nucleotide variant.
Coding change: c.4A>G on transcript NM_021076.4 (MANE Select); coding-DNA position 4, A replaced by G.
Protein change: p.Met2Val; replaces methionine 2 with valine.
Molecular consequence: missense variant.
Genome position (GRCh38, 1-based): chr22:29,480,266, A>G. VCF-style: chr22-29480266-A-G. GRCh37 (hg19) VCF-style: chr22-29876255-A-G.
Other names: short protein forms M2V.
Identifiers: ClinVar variation 1424384 (VCV001424384.6), dbSNP rs1327409153, ClinGen allele CA411120770.

ClinVar aggregate classification (germline): Uncertain significance (1 of 4 stars; one submission).

Allele frequency attached by ClinVar (database versions not stated): TOPMed below 0.00001; gnomAD 0.00001.

Submission:

Labcorp Genetics (formerly Invitae), Labcorp
Classification: Uncertain significance. Last evaluated: 2021-11-03. Review status: criteria provided, single submitter. Criteria: Invitae Variant Classification Sherloc (09022015). Collection method: clinical testing. Allele origin: germline.
Comment: This variant has not been reported in the literature in individuals affected with NEFH-related conditions. Advanced modeling of protein sequence and biophysical properties (such as structural, functional, and spatial information, amino acid conservation, physicochemical variation, residue mobility, and thermodynamic stability) performed at Invitae indicates that this missense variant is not expected to disrupt NEFH protein function. Algorithms developed to predict the effect of sequence changes on RNA splicing suggest that this variant may create or strengthen a splice site. In summary, the available evidence is currently insufficient to determine the role of this variant in disease. Therefore, it has been classified as a Variant of Uncertain Significance. This sequence change replaces methionine, which is neutral and non-polar, with valine, which is neutral and non-polar, at codon 2 of the NEFH protein (p.Met2Val). This variant is present in population databases (no rsID available, gnomAD 0.01%).